The following is an entry in ClinVar:

ClinVar aggregate classification (germline): Uncertain significance (1 of 4 stars; one submission).

Conditions:
Inborn genetic diseases. Identifiers: MedGen C0950123, MeSH D030342.

gnomAD v4.1: 1 of 1,613,904 alleles (0.000062%); no homozygotes.

Submission:

Ambry Genetics
Classification: Uncertain significance for Inborn genetic diseases. Last evaluated: 2025-03-28. Review status: criteria provided, single submitter. Criteria: Ambry Variant Classification Scheme 2023. Collection method: clinical testing. Allele origin: germline.
Comment: The p.V440I variant (also known as c.1318G>A), located in coding exon 10 of the BMPR2 gene, results from a G to A substitution at nucleotide position 1318. The valine at codon 440 is replaced by isoleucine, an amino acid with highly similar properties. This amino acid position is conserved. In addition, the in silico prediction for this alteration is inconclusive. Based on the available evidence, the clinical significance of this variant remains unclear.

NM_001204.7(BMPR2):c.1318G>A (p.Val440Ile)

Gene: BMPR2 (bone morphogenetic protein receptor type 2; plus strand). Cytogenetic location: 2q33.2.
Variant type: single nucleotide variant.
Coding change: c.1318G>A on transcript NM_001204.7 (MANE Select); coding-DNA position 1318, G replaced by A.
Protein change: p.Val440Ile; replaces valine 440 with isoleucine.
Molecular consequence: missense variant.
Genome position (GRCh38, 1-based): chr2:202,542,352, G>A. VCF-style: chr2-202542352-G-A. GRCh37 (hg19) VCF-style: chr2-203407075-G-A.
Other names: short protein forms V440I.
Identifiers: ClinVar variation 3992070 (VCV003992070.1).